The following is an entry in ClinVar:

NM_203486.3(DLL3):c.201del (p.Leu68fs)

Gene: DLL3 (delta like canonical Notch ligand 3; plus strand). Cytogenetic location: 19q13.2.
Variant type: Deletion.
Coding change: c.201del on transcript NM_203486.3 (MANE Select); coding-DNA position 201, one base deleted (G; older notation c.201delG).
Protein change: p.Leu68fs; shifts the reading frame from leucine 68.
Molecular consequence: frameshift variant.
Genome position (GRCh38, 1-based): chr19:39,499,323, G deleted; the last of 3 consecutive G bases (chr19:39,499,321-39,499,323); deleting any one gives the same sequence. VCF-style (leftmost placement, unchanged base first): chr19-39499320-TG-T. GRCh37 (hg19) VCF-style: chr19-39989960-TG-T.
Other names: c.201del, p.Leu68fs (NM_016941.4); short protein forms L68fs.
Identifiers: ClinVar variation 2701337 (VCV002701337.3), dbSNP rs776960175, ClinGen allele CA9432125.

ClinVar aggregate classification (germline): Pathogenic (1 of 4 stars; one submission).

Submission:

Labcorp Genetics (formerly Invitae), Labcorp
Classification: Pathogenic. Last evaluated: 2023-12-06. Review status: criteria provided, single submitter. Criteria: Invitae Variant Classification Sherloc (09022015). Collection method: clinical testing. Allele origin: germline.
Comment: This sequence change creates a premature translational stop signal (p.Leu68Serfs*16) in the DLL3 gene. It is expected to result in an absent or disrupted protein product. Loss-of-function variants in DLL3 are known to be pathogenic (PMID: 12746394). This variant is not present in population databases (gnomAD no frequency). This variant has not been reported in the literature in individuals affected with DLL3-related conditions. For these reasons, this variant has been classified as Pathogenic.

Literature cited by the submitters: PubMed 12746394.